The following is an entry in ClinVar:

ClinVar aggregate classification (germline): Uncertain significance (1 of 4 stars; one submission).

Conditions:
Inborn genetic diseases. Identifiers: MedGen C0950123, MeSH D030342.

Submission:

Ambry Genetics
Classification: Uncertain significance for Inborn genetic diseases. Last evaluated: 2021-10-12. Review status: criteria provided, single submitter. Criteria: Ambry Variant Classification Scheme 2023. Collection method: clinical testing. Allele origin: germline.
Comment: The p.L2471P variant (also known as c.7412T>C), located in coding exon 50 of the LRRK2 gene, results from a T to C substitution at nucleotide position 7412. The leucine at codon 2471 is replaced by proline, an amino acid with similar properties. This amino acid position is conserved. In addition, the in silico prediction for this alteration is inconclusive. Since supporting evidence is limited at this time, the clinical significance of this alteration remains unclear.

NM_198578.4(LRRK2):c.7412T>C (p.Leu2471Pro)

Gene: LRRK2 (leucine rich repeat kinase 2; plus strand). Cytogenetic location: 12q12.
Variant type: single nucleotide variant.
Coding change: c.7412T>C on transcript NM_198578.4 (MANE Select); coding-DNA position 7412, T replaced by C.
Protein change: p.Leu2471Pro; replaces leucine 2471 with proline.
Molecular consequence: missense variant.
Genome position (GRCh38, 1-based): chr12:40,367,027, T>C. VCF-style: chr12-40367027-T-C. GRCh37 (hg19) VCF-style: chr12-40760829-T-C.
Other names: short protein forms L2471P.
Identifiers: ClinVar variation 1758795 (VCV001758795.2), dbSNP rs2500058043, ClinGen allele CA384415705.